The following is an entry in ClinVar:

NM_005475.3(SH2B3):c.1126C>G (p.Gln376Glu)

Gene: SH2B3 (SH2B adaptor protein 3; plus strand). Cytogenetic location: 12q24.12.
Variant type: single nucleotide variant.
Coding change: c.1126C>G on transcript NM_005475.3 (MANE Select); coding-DNA position 1126, C replaced by G.
Protein change: p.Gln376Glu; replaces glutamine 376 with glutamic acid.
Molecular consequence: missense variant.
Genome position (GRCh38, 1-based): chr12:111,447,434, C>G. VCF-style: chr12-111447434-C-G. GRCh37 (hg19) VCF-style: chr12-111885238-C-G.
Other names: c.520C>G, p.Gln174Glu (NM_001291424.1); short protein forms Q174E, Q376E.
Identifiers: ClinVar variation 3953548 (VCV003953548.1).

ClinVar aggregate classification (germline): Uncertain significance (1 of 4 stars; one submission).

Conditions:
Inborn genetic diseases. Identifiers: MedGen C0950123, MeSH D030342.

gnomAD v4.1: 8 of 1,613,686 alleles (0.0005%); highest among the groups gnomAD compares: Non-Finnish European, 0.00068%; no homozygotes.

Submission:

Ambry Genetics
Classification: Uncertain significance for Inborn genetic diseases. Last evaluated: 2025-06-01. Review status: criteria provided, single submitter. Criteria: Ambry Variant Classification Scheme 2023. Collection method: clinical testing. Allele origin: germline.
Comment: The p.Q376E variant (also known as c.1126C>G), located in coding exon 5 of the SH2B3 gene, results from a C to G substitution at nucleotide position 1126. The glutamine at codon 376 is replaced by glutamic acid, an amino acid with highly similar properties. This amino acid position is conserved. In addition, the in silico prediction for this alteration is inconclusive. Based on the available evidence, the clinical significance of this variant remains unclear.